The following is an entry in ClinVar:

ClinVar aggregate classification (germline): Uncertain significance (1 of 4 stars; one submission).

Conditions:
Bailey-Bloch congenital myopathy (CMYO13). Also called: Native American myopathy; STAC3 disorder; Congenital myopathy 13. Identifiers: Orphanet 168572, MedGen C1850625, MONDO:0009722, OMIM 255995.

Submission:

Labcorp Genetics (formerly Invitae), Labcorp
Classification: Uncertain significance for Bailey-Bloch congenital myopathy. Last evaluated: 2020-09-02. Review status: criteria provided, single submitter. Criteria: Invitae Variant Classification Sherloc (09022015). Collection method: clinical testing. Allele origin: germline.
Comment: This sequence change replaces arginine with serine at codon 182 of the STAC3 protein (p.Arg182Ser). The arginine residue is highly conserved and there is a moderate physicochemical difference between arginine and serine. This variant is not present in population databases (ExAC no frequency). This variant has not been reported in the literature in individuals with STAC3-related conditions. Algorithms developed to predict the effect of missense changes on protein structure and function (SIFT, PolyPhen-2, Align-GVGD) all suggest that this variant is likely to be disruptive, but these predictions have not been confirmed by published functional studies and their clinical significance is uncertain. In summary, the available evidence is currently insufficient to determine the role of this variant in disease. Therefore, it has been classified as a Variant of Uncertain Significance.

NM_145064.3(STAC3):c.544C>A (p.Arg182Ser)

Gene: STAC3 (SH3 and cysteine rich domain 3; minus strand). Cytogenetic location: 12q13.3.
Variant type: single nucleotide variant.
Coding change: c.544C>A on transcript NM_145064.3 (MANE Select); coding-DNA position 544, C replaced by A.
Protein change: p.Arg182Ser; replaces arginine 182 with serine.
Molecular consequence: missense variant. On other transcripts: 5 prime UTR variant (1), non-coding transcript variant (1).
Genome position (GRCh38, 1-based): chr12:57,246,863, G>T on the plus strand (C>A on the coding strand, the complement: STAC3 is on the minus strand). VCF-style: chr12-57246863-G-T. GRCh37 (hg19) VCF-style: chr12-57640646-G-T.
Other names: c.427C>A, p.Arg143Ser (NM_001286256.2); c.-15C>A (NM_001286257.2); short protein forms R143S, R182S.
Identifiers: ClinVar variation 1004574 (VCV001004574.9), dbSNP rs768476164, ClinGen allele CA385413721.